The following is an entry in ClinVar:

NM_000287.4(PEX6):c.2780_2783delinsTGACCAGGT (p.Lys927fs)

Gene: PEX6 (peroxisomal biogenesis factor 6; minus strand). Cytogenetic location: 6p21.1.
Variant type: Indel.
Coding change: c.2780_2783delinsTGACCAGGT on transcript NM_000287.4 (MANE Select); coding-DNA positions 2780 to 2783, AACG replaced by TGACCAGGT.
Protein change: p.Lys927fs; shifts the reading frame from lysine 927.
Molecular consequence: frameshift variant. On other transcripts: non-coding transcript variant (1).
Genome position (GRCh38, 1-based): chr6:42,964,813-42,964,816, CGTT replaced by ACCTGGTCA on the plus strand (AACG replaced by TGACCAGGT on the coding strand, the reverse complement: PEX6 is on the minus strand). VCF-style: chr6-42964813-CGTT-ACCTGGTCA. GRCh37 (hg19) VCF-style: chr6-42932551-CGTT-ACCTGGTCA.
Other names: c.2516_2519delinsTGACCAGGT, p.Lys839fs (NM_001316313.2); short protein forms K839fs, K927fs.
Identifiers: ClinVar variation 2677691 (VCV002677691.2), dbSNP rs2481195709, ClinGen allele CA2695198828.

ClinVar aggregate classification (germline): Conflicting classifications of pathogenicity. Review status: criteria provided, conflicting classifications (1 of 4 stars). 2 submissions from 2 submitters: Likely pathogenic (1); Uncertain significance (1). Last evaluated 2025-09-30.

Conditions:
Heimler syndrome 2 (HMLR2). Also called: PEROXISOME BIOGENESIS DISORDER 4C. Identifiers: Orphanet 3220, MedGen C4225267, OMIM 616617, MONDO:0014709.
Peroxisome biogenesis disorder. Identifiers: Orphanet 79189, MedGen C1832200, MONDO:0019234. Disease mechanism: loss of function.

Submissions (2):

Myriad Genetics, Inc.
Classification: Uncertain significance for Peroxisome biogenesis disorder. Last evaluated: 2025-09-30. Review status: criteria provided, single submitter. Criteria: Myriad Autosomal Dominant, Autosomal Recessive and X-Linked Classification Criteria (2023). Collection method: clinical testing. Allele origin: unknown.
Comment: NM_000287.3(PEX6):c.2780_2783del4ins9(K927Mfs*20) is a frameshift variant classified as a variant of uncertain significance in the context of peroxisome biogenesis disorder type 4. K927Mfs*20 has not been observed in cases with relevant disease. Relevant functional assessments of this variant are not available in the literature. K927Mfs*20 has not been observed in referenced population frequency databases. In summary, there is insufficient evidence to classify NM_000287.3(PEX6):c.2780_2783del4ins9(K927Mfs*20) as pathogenic or benign. Please note: this variant was assessed in the context of healthy population screening.

Baylor Genetics
Classification: Likely pathogenic for Heimler syndrome 2. Last evaluated: 2023-10-02. Review status: criteria provided, single submitter. Criteria: ACMG Guidelines, 2015. Collection method: clinical testing. Allele origin: unknown.